The following is an entry in ClinVar:

ClinVar aggregate classification (germline): Uncertain significance (1 of 4 stars; one submission).

Allele frequency attached by ClinVar (database versions not stated): gnomAD exomes below 0.00001.
gnomAD v4.1: 1 of 1,614,188 alleles (0.000062%); highest among the groups gnomAD compares: East Asian, 0.0022%; no homozygotes.

Submission:

GeneDx
Classification: Uncertain significance. Last evaluated: 2020-01-31. Review status: criteria provided, single submitter. Criteria: GeneDx Variant Classification Process June 2021. Collection method: clinical testing. Allele origin: germline. Affected: yes.
Comment: Not observed in large population cohorts (Lek et al., 2016); In silico analysis, which includes protein predictors and evolutionary conservation, supports that this variant does not alter protein structure/function; Has not been previously published as pathogenic or benign to our knowledge

NM_006516.4(SLC2A1):c.1426G>A (p.Asp476Asn)

Gene: SLC2A1 (solute carrier family 2 member 1; minus strand). Cytogenetic location: 1p34.2.
Variant type: single nucleotide variant.
Coding change: c.1426G>A on transcript NM_006516.4 (MANE Select); coding-DNA position 1426, G replaced by A.
Protein change: p.Asp476Asn; replaces aspartic acid 476 with asparagine.
Molecular consequence: missense variant.
Genome position (GRCh38, 1-based): chr1:42,927,094, C>T on the plus strand (G>A on the coding strand, the complement: SLC2A1 is on the minus strand). VCF-style: chr1-42927094-C-T. GRCh37 (hg19) VCF-style: chr1-43392765-C-T.
Other names: short protein forms D476N.
Identifiers: ClinVar variation 1308308 (VCV001308308.2), dbSNP rs2124445385, ClinGen allele CA339952648.